The following is an entry in ClinVar:

NM_000075.4(CDK4):c.160G>A (p.Val54Ile)

Genes: CDK4 (cyclin dependent kinase 4; minus strand), LOC130008148 (ATAC-STARR-seq lymphoblastoid silent region 4588; plus strand). Cytogenetic location: 12q14.1.
Variant type: single nucleotide variant.
Coding change: c.160G>A on transcript NM_000075.4 (MANE Select); coding-DNA position 160, G replaced by A.
Protein change: p.Val54Ile; replaces valine 54 with isoleucine.
Molecular consequence: missense variant.
Genome position (GRCh38, 1-based): chr12:57,751,558, C>T on the plus strand (G>A on the coding strand, the complement: CDK4 is on the minus strand). VCF-style: chr12-57751558-C-T. GRCh37 (hg19) VCF-style: chr12-58145341-C-T.
Other names: short protein forms V54I.
Identifiers: ClinVar variation 580555 (VCV000580555.10), dbSNP rs775085950, ClinGen allele CA385548653.

ClinVar aggregate classification (germline): Uncertain significance. Review status: criteria provided, multiple submitters, no conflicts (2 of 4 stars). 2 submissions from 2 submitters: Uncertain significance (2). Last evaluated 2024-08-08.

Conditions:
Familial melanoma. Also called: Hereditary melanoma; Hereditary cutaneous melanoma. Identifiers: Orphanet 618, MedGen C1512419, MONDO:0018961.

Submissions (2):

Quest Diagnostics Nichols Institute San Juan Capistrano
Classification: Uncertain significance. Last evaluated: 2024-08-08. Review status: criteria provided, single submitter. Criteria: Quest Diagnostics criteria. Collection method: clinical testing. Allele origin: unknown.
Comment: The CDK4 c.160G>A (p.Val54Ile) variant has been reported in the published literature in reportedly healthy individuals (PMID: 36243179 (2022)). This variant has not been reported in large, multi-ethnic general populations (Genome Aggregation Database). Analysis of this variant using bioinformatics tools for the prediction of the effect of amino acid changes on protein structure and function yielded predictions that this variant is benign. Based on the available information, we are unable to determine the clinical significance of this variant.

Labcorp Genetics (formerly Invitae), Labcorp
Classification: Uncertain significance for Familial melanoma. Last evaluated: 2024-08-07. Review status: criteria provided, single submitter. Criteria: Invitae Variant Classification Sherloc (09022015). Collection method: clinical testing. Allele origin: germline.
Comment: This sequence change replaces valine, which is neutral and non-polar, with isoleucine, which is neutral and non-polar, at codon 54 of the CDK4 protein (p.Val54Ile). This variant is not present in population databases (gnomAD no frequency). This variant has not been reported in the literature in individuals affected with CDK4-related conditions. ClinVar contains an entry for this variant (Variation ID: 580555). An algorithm developed to predict the effect of missense changes on protein structure and function (PolyPhen-2) suggests that this variant is likely to be tolerated. In summary, the available evidence is currently insufficient to determine the role of this variant in disease. Therefore, it has been classified as a Variant of Uncertain Significance.

Literature cited by the submitters: PubMed 36243179 (cited by Quest Diagnostics Nichols Institute San Juan Capistrano).